The following is an entry in ClinVar:

NM_003719.5(PDE8B):c.*1575G>A

Gene: PDE8B (phosphodiesterase 8B; plus strand). Cytogenetic location: 5q13.3.
Variant type: single nucleotide variant.
Coding change: c.*1575G>A on transcript NM_003719.5 (MANE Select); 1575 bases downstream of the stop codon, G replaced by A.
Molecular consequence: 3 prime UTR variant.
Genome position (GRCh38, 1-based): chr5:77,428,129, G>A. VCF-style: chr5-77428129-G-A. GRCh37 (hg19) VCF-style: chr5-76723954-G-A.
Other names: c.*1575G>A (NM_001029851.4, NM_001029852.4, NM_001029853.4 and 19 more transcripts); c.*1661G>A (NM_001349751.3, NM_001376072.1).
Identifiers: ClinVar variation 904065 (VCV000904065.4), dbSNP rs146195825, ClinGen allele CA121090366.
Genomic context (GRCh38, chr5:77,428,129, plus strand): 5'-TTTTGTTAGATGATAAGAGAACTTGCTTGGTCAGGACAGCAGCCAGCTTTGTATTGTAAT[G>A]CTATATTATGTAAATGTGATGAAAATGTTTTTGTGAAGTACTTGTAACTAAATTCCTACA-3'

ClinVar aggregate classification (germline): Benign (1 of 4 stars; one submission).

Conditions:
Autosomal dominant striatal neurodegeneration type 1. Identifiers: Orphanet 228169, MedGen C4310808, MONDO:0012205, OMIM 609161.

Allele frequency attached by ClinVar (database versions not stated): gnomAD 0.00076 and 0.00077; 1000 Genomes Project 30x 0.00078; 1000 Genomes Project 0.00080; TOPMed 0.00086.

Submission:

Illumina Laboratory Services, Illumina
Classification: Benign for Autosomal dominant striatal neurodegeneration type 1. Last evaluated: 2018-01-13. Review status: criteria provided, single submitter. Criteria: ICSL Variant Classification Criteria 13 December 2019. Collection method: clinical testing. Allele origin: germline.
Comment: This variant was observed in the ICSL laboratory as part of a predisposition screen in an ostensibly healthy population. It had not been previously curated by ICSL or reported in the Human Gene Mutation Database (HGMD: prior to June 1st, 2018), and was therefore a candidate for classification through an automated scoring system. Utilizing variant allele frequency, disease prevalence and penetrance estimates, and inheritance mode, an automated score was calculated to assess if this variant is too frequent to cause the disease. Based on the score and internal cut-off values, a variant classified as benign is not then subjected to further curation. The score for this variant resulted in a classification of benign for this disease.